The following is an entry in ClinVar:

NM_001040108.2(MLH3):c.4073C>T (p.Ala1358Val)

Gene: MLH3 (mutL homolog 3; minus strand). Cytogenetic location: 14q24.3.
Variant type: single nucleotide variant.
Coding change: c.4073C>T on transcript NM_001040108.2 (MANE Select); coding-DNA position 4073, C replaced by T.
Protein change: p.Ala1358Val; replaces alanine 1358 with valine.
Molecular consequence: missense variant.
Genome position (GRCh38, 1-based): chr14:75,022,831, G>A on the plus strand (C>T on the coding strand, the complement: MLH3 is on the minus strand). VCF-style: chr14-75022831-G-A. GRCh37 (hg19) VCF-style: chr14-75489534-G-A.
Other names: c.4001C>T, p.Ala1334Val (NM_014381.3); short protein forms A1334V, A1358V.
Identifiers: ClinVar variation 3873508 (VCV003873508.1).

ClinVar aggregate classification (germline): Uncertain significance (1 of 4 stars; one submission).

Submission:

Ambry Genetics
Classification: Uncertain significance. Last evaluated: 2025-02-02. Review status: criteria provided, single submitter. Criteria: Ambry Variant Classification Scheme 2023. Collection method: clinical testing. Allele origin: germline.
Comment: The p.A1358V variant (also known as c.4073C>T), located in coding exon 10 of the MLH3 gene, results from a C to T substitution at nucleotide position 4073. The alanine at codon 1358 is replaced by valine, an amino acid with similar properties. This amino acid position is conserved. In addition, this alteration is predicted to be deleterious by in silico analysis. Based on the available evidence, the clinical significance of this variant remains unclear.